The following is an entry in ClinVar:

NM_013382.7(POMT2):c.1857G>C (p.Met619Ile)

Gene: POMT2 (protein O-mannosyltransferase 2; minus strand). Cytogenetic location: 14q24.3.
Variant type: single nucleotide variant.
Coding change: c.1857G>C on transcript NM_013382.7 (MANE Select); coding-DNA position 1857, G replaced by C.
Protein change: p.Met619Ile; replaces methionine 619 with isoleucine.
Molecular consequence: missense variant.
Genome position (GRCh38, 1-based): chr14:77,279,857, C>G on the plus strand (G>C on the coding strand, the complement: POMT2 is on the minus strand). VCF-style: chr14-77279857-C-G. GRCh37 (hg19) VCF-style: chr14-77746200-C-G.
Other names: short protein forms M619I.
Identifiers: ClinVar variation 646201 (VCV000646201.6), dbSNP rs1594885046, ClinGen allele CA390514537.

ClinVar aggregate classification (germline): Uncertain significance (1 of 4 stars; one submission).

Conditions:
Muscular dystrophy-dystroglycanopathy (congenital with brain and eye anomalies), type A2. Also called: WALKER-WARBURG SYNDROME OR MUSCLE-EYE-BRAIN DISEASE, POMT2-RELATED; MUSCULAR DYSTROPHY-DYSTROGLYCANOPATHY (CONGENITAL WITH BRAIN AND EYE ANOMALIES), TYPE A, 2. Identifiers: Orphanet 588, Orphanet 899, MedGen C3150411, MONDO:0013154, OMIM 613150.
Muscular dystrophy-dystroglycanopathy (congenital with impaired intellectual development), type B, 2. Also called: Muscular dystrophy-dystroglycanopathy (congenital with intellectual disability), type B2; MUSCULAR DYSTROPHY, CONGENITAL, POMT2-RELATED. Identifiers: MedGen C3150416, MONDO:0013160, OMIM 613156.
Autosomal recessive limb-girdle muscular dystrophy type 2N. Also called: MUSCULAR DYSTROPHY-DYSTROGLYCANOPATHY, LIMB-GIRDLE, POMT2-RELATED; Muscular dystrophy-dystroglycanopathy (limb-girdle), type C, 2. Identifiers: Orphanet 206559, MedGen C3150418, MONDO:0013162, OMIM 613158.

gnomAD v4.1: 1 of 1,613,966 alleles (0.000062%); highest among the groups gnomAD compares: Non-Finnish European, 0.000085%; no homozygotes.

Submission:

Labcorp Genetics (formerly Invitae), Labcorp
Classification: Uncertain significance for Muscular dystrophy-dystroglycanopathy (congenital with impaired intellectual development), type B, 2; Muscular dystrophy-dystroglycanopathy (congenital with brain and eye anomalies), type A2; Autosomal recessive limb-girdle muscular dystrophy type 2N. Last evaluated: 2022-09-27. Review status: criteria provided, single submitter. Criteria: Invitae Variant Classification Sherloc (09022015). Collection method: clinical testing. Allele origin: germline.
Comment: This sequence change replaces methionine, which is neutral and non-polar, with isoleucine, which is neutral and non-polar, at codon 619 of the POMT2 protein (p.Met619Ile). This variant is not present in population databases (gnomAD no frequency). This variant has not been reported in the literature in individuals affected with POMT2-related conditions. ClinVar contains an entry for this variant (Variation ID: 646201). Advanced modeling of protein sequence and biophysical properties (such as structural, functional, and spatial information, amino acid conservation, physicochemical variation, residue mobility, and thermodynamic stability) performed at Invitae indicates that this missense variant is not expected to disrupt POMT2 protein function. In summary, the available evidence is currently insufficient to determine the role of this variant in disease. Therefore, it has been classified as a Variant of Uncertain Significance.